The following is an entry in ClinVar:

ClinVar aggregate classification (germline): Uncertain significance (1 of 4 stars; one submission).

Conditions:
Cockayne syndrome. Identifiers: Orphanet 191, MedGen C0009207, MONDO:0016006.
Xeroderma pigmentosum, group F (XPF). Also called: ERCC4-Related Xeroderma Pigmentosum; XERODERMA PIGMENTOSUM, COMPLEMENTATION GROUP F; XERODERMA PIGMENTOSUM VI; XP, GROUP F; XERODERMA PIGMENTOSUM, TYPE F; Xeroderma pigmentosum, type 6. Identifiers: MedGen C0268140, MONDO:0010215, OMIM 278760.
Fanconi anemia complementation group Q. Identifiers: Orphanet 84, MedGen C3808988, MONDO:0014108, OMIM 615272.

Allele frequency attached by ClinVar (database versions not stated): gnomAD exomes below 0.00001; ExAC 0.00001; TOPMed 0.00001; gnomAD 0.00002.
gnomAD v4.1: 6 of 1,602,756 alleles (0.00037%); highest among the groups gnomAD compares: African/African-American, 0.008%; no homozygotes.

Submission:

Labcorp Genetics (formerly Invitae), Labcorp
Classification: Uncertain significance for Fanconi anemia complementation group Q; Xeroderma pigmentosum, group F; Cockayne syndrome. Last evaluated: 2021-10-03. Review status: criteria provided, single submitter. Criteria: Invitae Variant Classification Sherloc (09022015). Collection method: clinical testing. Allele origin: germline.
Comment: In summary, the available evidence is currently insufficient to determine the role of this variant in disease. Therefore, it has been classified as a Variant of Uncertain Significance. Algorithms developed to predict the effect of missense changes on protein structure and function (SIFT, PolyPhen-2, Align-GVGD) all suggest that this variant is likely to be tolerated. This variant has not been reported in the literature in individuals affected with ERCC4-related conditions. This variant is present in population databases (rs779538282, ExAC 0.01%). This sequence change replaces phenylalanine with tyrosine at codon 48 of the ERCC4 protein (p.Phe48Tyr). The phenylalanine residue is moderately conserved and there is a small physicochemical difference between phenylalanine and tyrosine.

NM_005236.3(ERCC4):c.143T>A (p.Phe48Tyr)

Genes: ERCC4 (ERCC excision repair 4, endonuclease catalytic subunit; plus strand), LOC130058543 (ATAC-STARR-seq lymphoblastoid active region 10486; plus strand). Cytogenetic location: 16p13.12.
Variant type: single nucleotide variant.
Coding change: c.143T>A on transcript NM_005236.3 (MANE Select); coding-DNA position 143, T replaced by A.
Protein change: p.Phe48Tyr; replaces phenylalanine 48 with tyrosine.
Molecular consequence: missense variant.
Genome position (GRCh38, 1-based): chr16:13,920,308, T>A. VCF-style: chr16-13920308-T-A. GRCh37 (hg19) VCF-style: chr16-14014165-T-A.
Other names: short protein forms F48Y.
Identifiers: ClinVar variation 1381433 (VCV001381433.5), dbSNP rs779538282, ClinGen allele CA7910098.
Genomic context (GRCh38, chr16:13,920,308, plus strand): 5'-ACACTGACGGGCTAGTAGTGTGCGCCCGCGGGCTCGGCGCGGACCGGCTCCTCTACCACT[T>A]TCTCCAGCTGCACTGCCACCCAGCCTGCCTGGTGCTGGTGCTCAACACGCAGCCGGCCGA-3'
Protein context (NP_005227.1, residues 38-58): GLGADRLLYH[Phe48Tyr]LQLHCHPACL